The following is an entry in ClinVar:

ClinVar aggregate classification (germline): Likely pathogenic. Review status: criteria provided, multiple submitters, no conflicts (2 of 4 stars). 2 submissions from 2 submitters: Likely pathogenic (2). Last evaluated 2024-06-01.

Conditions:
Congenital dyserythropoietic anemia, type II (CDAN2). Also called: DYSERYTHROPOIETIC ANEMIA, HEMPAS TYPE. Identifiers: Orphanet 98873, MedGen C1306589, MONDO:0009134, OMIM 224100.
Cowden syndrome 7 (CWS7). Identifiers: Orphanet 201, MedGen C4225179, MONDO:0014802, OMIM 616858.

Submissions (2):

Fulgent Genetics
Classification: Likely pathogenic for Congenital dyserythropoietic anemia, type II; Cowden syndrome 7. Last evaluated: 2024-06-01. Review status: criteria provided, single submitter. Criteria: ACMG Guidelines, 2015. Collection method: clinical testing. Allele origin: germline.

Labcorp Genetics (formerly Invitae), Labcorp
Classification: Likely pathogenic for Congenital dyserythropoietic anemia, type II; Cowden syndrome 7. Last evaluated: 2023-11-05. Review status: criteria provided, single submitter. Criteria: Invitae Variant Classification Sherloc (09022015). Collection method: clinical testing. Allele origin: germline.
Comment: This sequence change affects a splice site in intron 13 of the SEC23B gene. It is expected to disrupt RNA splicing. Variants that disrupt the donor or acceptor splice site typically lead to a loss of protein function (PMID: 16199547), and loss-of-function variants in SEC23B are known to be pathogenic (PMID: 19561605, 25044164). This variant is present in population databases (rs758780409, gnomAD 0.03%). This variant has not been reported in the literature in individuals affected with SEC23B-related conditions. Algorithms developed to predict the effect of sequence changes on RNA splicing suggest that this variant may disrupt the consensus splice site. In summary, the currently available evidence indicates that the variant is pathogenic, but additional data are needed to prove that conclusively. Therefore, this variant has been classified as Likely Pathogenic.

Literature cited by the submitters: PubMed 16199547 (cited by Labcorp Genetics (formerly Invitae), Labcorp); PubMed 19561605 (cited by Labcorp Genetics (formerly Invitae), Labcorp); PubMed 25044164 (cited by Labcorp Genetics (formerly Invitae), Labcorp).

NM_006363.6(SEC23B):c.1511+2_1511+5del

Gene: SEC23B (SEC23 homolog B, COPII component; plus strand). Cytogenetic location: 20p11.23.
Variant type: Deletion.
Coding change: c.1511+2_1511+5del on transcript NM_006363.6 (MANE Select); the canonical splice donor site of the intron after coding-DNA position 1511 through 5 bases into the intron after coding-DNA position 1511, 4 bases deleted (TAAG; older notation c.1511+2_1511+5delTAAG).
Molecular consequence: splice donor variant.
Genome position (GRCh38, 1-based): chr20:18,542,404-18,542,407, TAAG deleted; deleting any 4 consecutive bases within chr20:18,542,401-18,542,407 gives the same sequence; the c. name uses the placement nearest the transcript's 3' end. VCF-style (leftmost placement, unchanged base first): chr20-18542400-AAAGT-A. GRCh37 (hg19) VCF-style: chr20-18523044-AAAGT-A.
Other names: c.1511+2_1511+5del (NM_032986.5, NM_001172745.3, NM_032985.6); c.1457+2_1457+5del (NM_001172746.3).
Identifiers: ClinVar variation 2950074 (VCV002950074.4), dbSNP rs758780409, ClinGen allele CA9778379.
Genomic context (GRCh38, chr20:18,542,400, plus strand): 5'-TGTCACGCATTATCAGCACTCCAGCACCCAGAGACGCATCCGCGTGACCACCATCGCCCG[AAAGT>A]AAGCAGCCCCAGTTTCCTTTCTGTTGAGGAACTGACTGACATTTTTCCCTTGAAGAGATA-3'